The following is an entry in ClinVar:

NM_001282874.2(SMARCA1):c.1071dup (p.Leu358fs)

Gene: SMARCA1 (SNF2 related chromatin remodeling ATPase 1; minus strand). Cytogenetic location: Xq26.1.
Variant type: Duplication.
Coding change: c.1071dup on transcript NM_001282874.2 (MANE Select); coding-DNA position 1071, one base duplicated (A; older notation c.1071dupA).
Protein change: p.Leu358fs; shifts the reading frame from leucine 358.
Molecular consequence: frameshift variant.
Genome position (GRCh38, 1-based): chrX:129,506,107, T duplicated on the plus strand (A on the coding strand, the reverse complement: SMARCA1 is on the minus strand). VCF-style (leftmost placement, unchanged base first): chrX-129506106-A-AT. GRCh37 (hg19) VCF-style: chrX-128640083-A-AT.
Other names: c.1071dup, p.Leu358fs (NM_001282875.2, NM_001378261.1, NM_001378262.1 and 3 more transcripts); short protein forms L358fs.
Identifiers: ClinVar variation 3901124 (VCV003901124.1).
Genomic context (GRCh38, chrX:129,506,106, plus strand): 5'-AAAGTTATACTTAAAACGTATGGCTTAAACTTACATCTGCAGAATTAAAGACATCAGGCA[A>AT]TAAAAAGTTGAGTAAGGCCCACAGTTCATGCAGGTTATTCTGCAAAGGTGTTCCAGTTAG-3'

ClinVar aggregate classification (germline): Likely pathogenic (1 of 4 stars; one submission).

Conditions:
Neurodevelopmental disorder. Identifiers: MedGen C1535926, MeSH D065886, MONDO:0700092.

Submission:

Developmental Brain Disorders Lab, Seattle Children's Hospital
Classification: Likely pathogenic for Neurodevelopmental disorder. Last evaluated: 2025-05-01. Review status: criteria provided, single submitter. Criteria: ACMG Guidelines, 2015. Collection method: research. Allele origin: maternal. Affected: yes.
Comment: This variant is a nonsense variant in a gene where loss of function is a proposed mechanism of disease. It is absent in gnomAD v4.1.0. It meets ACMG variant classification criteria (PVS1, PM2) (PMID:25741868).